The following is an entry in ClinVar:

NM_144670.6(A2ML1):c.3619A>G (p.Lys1207Glu)

Gene: A2ML1 (alpha-2-macroglobulin like 1; plus strand). Cytogenetic location: 12p13.31.
Variant type: single nucleotide variant.
Coding change: c.3619A>G on transcript NM_144670.6 (MANE Select); coding-DNA position 3619, A replaced by G.
Protein change: p.Lys1207Glu; replaces lysine 1207 with glutamic acid.
Molecular consequence: missense variant.
Genome position (GRCh38, 1-based): chr12:8,863,910, A>G. VCF-style: chr12-8863910-A-G. GRCh37 (hg19) VCF-style: chr12-9016506-A-G.
Other names: c.2146A>G, p.Lys716Glu (NM_001282424.3); short protein forms K1207E, K716E.
Identifiers: ClinVar variation 1733292 (VCV001733292.7), dbSNP rs1944354172, ClinGen allele CA383842234.
Genomic context (GRCh38, chr12:8,863,910, plus strand): 5'-TCTGAGCCTGCGGCTGTAGATGTGGAACTCACAGCATATGCATTGTTGGCCCAGCTTACC[A>G]AGCCCAGCCTGACTCAAAAGGAGATAGCGAAGGCCACTAGCATAGTGGCTTGGTTGGCCA-3'
Protein context (NP_653271.3, residues 1197-1217): TAYALLAQLT[Lys1207Glu]PSLTQKEIAK

ClinVar aggregate classification (germline): Uncertain significance. Review status: criteria provided, multiple submitters, no conflicts (2 of 4 stars). 2 submissions from 2 submitters: Uncertain significance (2). Last evaluated 2025-04-30.

Allele frequency attached by ClinVar (database versions not stated): TOPMed 0.00001.
gnomAD v4.1: 1 of 1,614,202 alleles (0.000062%); highest among the groups gnomAD compares: African/African-American, 0.0013%; no homozygotes.

Submissions (2):

Labcorp Genetics (formerly Invitae), Labcorp
Classification: Uncertain significance. Last evaluated: 2025-04-30. Review status: criteria provided, single submitter. Criteria: Invitae Variant Classification Sherloc (09022015). Collection method: clinical testing. Allele origin: germline.
Comment: This sequence change replaces lysine, which is basic and polar, with glutamic acid, which is acidic and polar, at codon 1207 of the A2ML1 protein (p.Lys1207Glu). This variant is not present in population databases (gnomAD no frequency). This variant has not been reported in the literature in individuals affected with A2ML1-related conditions. ClinVar contains an entry for this variant (Variation ID: 1733292). An algorithm developed to predict the effect of missense changes on protein structure and function (PolyPhen-2) suggests that this variant is likely to be tolerated. In summary, the available evidence is currently insufficient to determine the role of this variant in disease. Therefore, it has been classified as a Variant of Uncertain Significance.

Ambry Genetics
Classification: Uncertain significance. Last evaluated: 2021-12-23. Review status: criteria provided, single submitter. Criteria: Ambry Variant Classification Scheme 2023. Collection method: clinical testing. Allele origin: germline.
Comment: The p.K1207E variant (also known as c.3619A>G), located in coding exon 29 of the A2ML1 gene, results from an A to G substitution at nucleotide position 3619. The lysine at codon 1207 is replaced by glutamic acid, an amino acid with similar properties. This amino acid position is conserved. In addition, this alteration is predicted to be tolerated by in silico analysis. Since supporting evidence is limited at this time, the clinical significance of this alteration remains unclear.